The following is an entry in ClinVar:

NM_022114.4(PRDM16):c.1434_1448del (p.Asn479_Leu483del)

Gene: PRDM16 (PR/SET domain 16; plus strand). Cytogenetic location: 1p36.32.
Variant type: Deletion.
Coding change: c.1434_1448del on transcript NM_022114.4 (MANE Select); coding-DNA positions 1434 to 1448, 15 bases deleted (CAATCACGCCAGCCT).
Protein change: p.Asn479_Leu483del.
Molecular consequence: inframe deletion.
Genome position (GRCh38, 1-based): chr1:3,411,631-3,411,645, CAATCACGCCAGCCT deleted; deleting any 15 consecutive bases within chr1:3,411,624-3,411,645 gives the same sequence; the c. name uses the placement nearest the transcript's 3' end. VCF-style (leftmost placement, unchanged base first): chr1-3411623-CCCAGCCTCAATCACG-C. GRCh37 (hg19) VCF-style: chr1-3328187-CCCAGCCTCAATCACG-C.
Other names: c.1434_1448del, p.Asn479_Leu483del (NM_199454.3).
Identifiers: ClinVar variation 2026849 (VCV002026849.4), dbSNP rs2523881379, ClinGen allele CA2580062504.
Genomic context (GRCh38, chr1:3,411,623, plus strand): 5'-ATCTTTGCCCCGGGCCTGCCCTTGACCCCCAGCCCCATGATGGACAAGGCAAAACCCTCC[CCCAGCCTCAATCACG>C]CCAGCCTGGGCTTCAACGAGTACTTTCCCTCCAGGCCGCACCCGGGGAGCCTGCCCTTCT-3'

ClinVar aggregate classification (germline): Uncertain significance (1 of 4 stars; one submission).

Conditions:
Left ventricular noncompaction 8 (LVNC8). Identifiers: Orphanet 154, Orphanet 54260, MedGen C3809288, MONDO:0014152, OMIM 615373.

Submission:

Labcorp Genetics (formerly Invitae), Labcorp
Classification: Uncertain significance for Left ventricular noncompaction 8. Last evaluated: 2022-03-08. Review status: criteria provided, single submitter. Criteria: Invitae Variant Classification Sherloc (09022015). Collection method: clinical testing. Allele origin: germline.
Comment: In summary, the available evidence is currently insufficient to determine the role of this variant in disease. Therefore, it has been classified as a Variant of Uncertain Significance. Experimental studies and prediction algorithms are not available or were not evaluated, and the functional significance of this variant is currently unknown. This variant has not been reported in the literature in individuals affected with PRDM16-related conditions. This variant is not present in population databases (gnomAD no frequency). This variant, c.1434_1448del, results in the deletion of 5 amino acid(s) of the PRDM16 protein (p.Asn479_Leu483del), but otherwise preserves the integrity of the reading frame.